The following is an entry in ClinVar:

ClinVar aggregate classification (germline): Conflicting classifications of pathogenicity. Review status: criteria provided, conflicting classifications (1 of 4 stars). 3 submissions from 3 submitters: Pathogenic (1); Uncertain significance (2). Last evaluated 2025-10-23.

Conditions:
Atrial fibrillation, familial, 12 (ATFB12). Identifiers: MedGen C3279695, MONDO:0013545, OMIM 614050.
Dilated cardiomyopathy 1O (CMD1O). Also called: CARDIOMYOPATHY, DILATED, WITH VENTRICULAR TACHYCARDIA. Identifiers: Orphanet 154, MedGen C1837839, MONDO:0012062, OMIM 608569.

Submissions (3):

Labcorp Genetics (formerly Invitae), Labcorp
Classification: Pathogenic for Dilated cardiomyopathy 1O. Last evaluated: 2025-10-23. Review status: criteria provided, single submitter. Criteria: Invitae Variant Classification Sherloc (09022015). Collection method: clinical testing. Allele origin: germline.
Comment: This sequence change creates a premature translational stop signal (p.Met977Lysfs*11) in the ABCC9 gene. It is expected to result in an absent or disrupted protein product. Loss-of-function variants in ABCC9 are known to be pathogenic (PMID: 31575858, 38217872). This variant is present in population databases (no rsID available, gnomAD 0.0009%). This variant has not been reported in the literature in individuals affected with ABCC9-related conditions. ClinVar contains an entry for this variant (Variation ID: 860588). For these reasons, this variant has been classified as Pathogenic.

Baylor Genetics
Classification: Uncertain significance for Atrial fibrillation, familial, 12. Last evaluated: 2023-04-20. Review status: criteria provided, single submitter. Criteria: ACMG Guidelines, 2015. Collection method: clinical testing. Allele origin: unknown.

AiLife Diagnostics
Classification: Uncertain significance. Last evaluated: 2021-12-21. Review status: criteria provided, single submitter. Criteria: ACMG Guidelines, 2015. Collection method: clinical testing. Allele origin: germline. Affected: yes. Observed: 2 variant alleles.

Literature cited by the submitters: PubMed 31575858 (cited by Labcorp Genetics (formerly Invitae), Labcorp); PubMed 38217872 (cited by Labcorp Genetics (formerly Invitae), Labcorp).

NM_020297.4(ABCC9):c.2928_2929dup (p.Met977fs)

Gene: ABCC9 (ATP binding cassette subfamily C member 9; minus strand). Cytogenetic location: 12p12.1.
Variant type: Duplication.
Coding change: c.2928_2929dup on transcript NM_020297.4 (MANE Select); coding-DNA positions 2928 to 2929, 2 bases duplicated (AA; older notation c.2928_2929dupAA).
Protein change: p.Met977fs; shifts the reading frame from methionine 977.
Molecular consequence: frameshift variant.
Genome position (GRCh38, 1-based): chr12:21,845,770-21,845,771, TT duplicated on the plus strand (AA on the coding strand, the reverse complement: ABCC9 is on the minus strand); duplicating any 2 consecutive bases within chr12:21,845,770-21,845,773 gives the same sequence; the c. name uses the placement nearest the transcript's 3' end. VCF-style (leftmost placement, unchanged base first): chr12-21845769-A-ATT. GRCh37 (hg19) VCF-style: chr12-21998703-A-ATT.
Other names: c.2928_2929dup, p.Met977fs (NM_001377273.1, NM_005691.4); c.2061_2062dup, p.Met688fs (NM_001377274.1); short protein forms M977fs, M688fs.
Identifiers: ClinVar variation 860588 (VCV000860588.9), dbSNP rs1565731854, ClinGen allele CA603664431.